The following is an entry in ClinVar:

NM_001323289.2(CDKL5):c.1375C>T (p.Gln459Ter)

Gene: CDKL5 (cyclin dependent kinase like 5; plus strand). Cytogenetic location: Xp22.13.
Variant type: single nucleotide variant.
Coding change: c.1375C>T on transcript NM_001323289.2 (MANE Select); coding-DNA position 1375, C replaced by T.
Protein change: p.Gln459Ter; replaces glutamine 459 with a stop codon.
Molecular consequence: nonsense.
Genome position (GRCh38, 1-based): chrX:18,604,299, C>T. VCF-style: chrX-18604299-C-T. GRCh37 (hg19) VCF-style: chrX-18622419-C-T.
Other names: NM_001323289.2(CDKL5):c.1375C>T; p.Gln459Ter; c.1375C>T, p.Gln459Ter (NM_001037343.2, NM_003159.3); short protein forms Q459*.
Identifiers: ClinVar variation 189556 (VCV000189556.6), dbSNP rs786204969, ClinGen allele CA199377.

ClinVar aggregate classification (germline): Pathogenic. Review status: criteria provided, multiple submitters, no conflicts (2 of 4 stars). 3 submissions from 3 submitters: Pathogenic (2). 1 of the submissions does not count toward it. Last evaluated 2024-08-21.

Conditions:
CDKL5 disorder. Identifiers: MedGen CN296942, MONDO:0100039.
Developmental and epileptic encephalopathy, 2 (DEE2). Also called: INFANTILE SPASM SYNDROME, X-LINKED 2; CDKL5 deficiency disorder. Identifiers: Orphanet 1934, Orphanet 3451, Orphanet 505652, MedGen C4750718, MONDO:0010396, OMIM 300672.
Angelman syndrome-like. Identifiers: MedGen CN128785.
Atypical Rett syndrome. Also called: Rett like syndrome; Variant Rett Syndrome. Identifiers: Orphanet 3095, MedGen C2748910, MONDO:0017746.

Submissions (3):

Centre for Population Genomics, CPG
Classification: Pathogenic for CDKL5 disorder. Last evaluated: 2024-08-21. Review status: criteria provided, single submitter. Criteria: McKnight et al. (Hum Mutat. 2022). Collection method: curation. Allele origin: germline. Inheritance: X-linked inheritance.
Comment: This variant has been collected from RettBASE and curated to current modified ACMG/AMP criteria. Based on the classification scheme defined by the ClinGen Rett/Angelman-like Expert Panel for Rett/AS-like Disorders Specifications to the ACMG/AMP Variant Interpretation Guidelines VCEP 3.0, this variant is classified as pathogenic. At least the following criteria are met: Predicted to result in loss of function, and LOF is a known mechanism of disease (PVS1). This variant is absent from gnomAD v4 (PM2_Supporting). Has been observed in at least 2 individuals with phenotypes consistent with CDKL5 disorder (PS4_Supporting). PMID22982301 PMID:24564546 PMID:25657822

Labcorp Genetics (formerly Invitae), Labcorp
Classification: Pathogenic for Developmental and epileptic encephalopathy, 2; Angelman syndrome-like. Last evaluated: 2024-04-15. Review status: criteria provided, single submitter. Criteria: Invitae Variant Classification Sherloc (09022015). Collection method: clinical testing. Allele origin: germline.
Comment: This sequence change creates a premature translational stop signal (p.Gln459*) in the CDKL5 gene. It is expected to result in an absent or disrupted protein product. Loss-of-function variants in CDKL5 are known to be pathogenic (PMID: 22872100). This variant is not present in population databases (gnomAD no frequency). This premature translational stop signal has been observed in individual(s) with Rett syndrome (PMID: 22982301). ClinVar contains an entry for this variant (Variation ID: 189556). For these reasons, this variant has been classified as Pathogenic.

RettBASE
Classification: Pathogenic for Atypical Rett syndrome. Last evaluated: 2014-03-13. Review status: no assertion criteria provided. Collection method: curation. Allele origin: de novo. Affected: yes. Observed: 1 variant allele. Not counted in ClinVar's aggregate classification.

Literature cited by the submitters: PubMed 22872100 (cited by Labcorp Genetics (formerly Invitae), Labcorp); PubMed 22982301 (cited by Labcorp Genetics (formerly Invitae), Labcorp and RettBASE).